The following is an entry in ClinVar:

NM_032620.4(GTPBP3):c.289C>T (p.Leu97Phe)

Gene: GTPBP3 (GTP binding protein 3, mitochondrial; plus strand). Cytogenetic location: 19p13.11.
Variant type: single nucleotide variant.
Coding change: c.289C>T on transcript NM_032620.4 (MANE Select); coding-DNA position 289, C replaced by T.
Protein change: p.Leu97Phe; replaces leucine 97 with phenylalanine.
Molecular consequence: missense variant.
Genome position (GRCh38, 1-based): chr19:17,338,243, C>T. VCF-style: chr19-17338243-C-T. GRCh37 (hg19) VCF-style: chr19-17449052-C-T.
Other names: c.289C>T, p.Leu97Phe (NM_001128855.3, NM_133644.4); c.355C>T, p.Leu119Phe (NM_001195422.1); short protein forms L97F, L119F.
Identifiers: ClinVar variation 1403258 (VCV001403258.5), dbSNP rs148899956, ClinGen allele CA9293278.

ClinVar aggregate classification (germline): Uncertain significance (1 of 4 stars; one submission).

Allele frequency attached by ClinVar (database versions not stated): gnomAD exomes 0.00001 and 0.00005; ExAC 0.00006; ESP Exome Variant Server 0.00008; gnomAD 0.00011 and 0.00012; TOPMed 0.00011; 1000 Genomes Project 30x 0.00031; 1000 Genomes Project 0.00040.
gnomAD v4.1: 35 of 1,588,872 alleles (0.0022%); highest among the groups gnomAD compares: Middle Eastern, 0.033%; no homozygotes.

Submission:

Labcorp Genetics (formerly Invitae), Labcorp
Classification: Uncertain significance. Last evaluated: 2022-10-17. Review status: criteria provided, single submitter. Criteria: Invitae Variant Classification Sherloc (09022015). Collection method: clinical testing. Allele origin: germline.
Comment: This sequence change replaces leucine, which is neutral and non-polar, with phenylalanine, which is neutral and non-polar, at codon 97 of the GTPBP3 protein (p.Leu97Phe). This variant is present in population databases (rs148899956, gnomAD 0.03%). This variant has not been reported in the literature in individuals affected with GTPBP3-related conditions. ClinVar contains an entry for this variant (Variation ID: 1403258). Advanced modeling of protein sequence and biophysical properties (such as structural, functional, and spatial information, amino acid conservation, physicochemical variation, residue mobility, and thermodynamic stability) performed at Invitae indicates that this missense variant is not expected to disrupt GTPBP3 protein function. In summary, the available evidence is currently insufficient to determine the role of this variant in disease. Therefore, it has been classified as a Variant of Uncertain Significance.